The following is an entry in ClinVar:

NM_003320.5(TUB):c.7G>A (p.Ala3Thr)

Gene: TUB (TUB bipartite transcription factor; plus strand). Cytogenetic location: 11p15.4.
Variant type: single nucleotide variant.
Coding change: c.7G>A on transcript NM_003320.5; coding-DNA position 7, G replaced by A.
Protein change: p.Ala3Thr; replaces alanine 3 with threonine.
Molecular consequence: missense variant. On other transcripts: intron variant (4).
Genome position (GRCh38, 1-based): chr11:8,038,880, G>A. VCF-style: chr11-8038880-G-A. GRCh37 (hg19) VCF-style: chr11-8060427-G-A.
Other names: c.56+19522G>A (NM_001440538.1, NM_001440539.1, NM_001440540.1 and 1 more transcripts); short protein forms A3T.
Identifiers: ClinVar variation 3031363 (VCV003031363.2), dbSNP rs535436275, ClinGen allele CA5870794.
Genomic context (GRCh38, chr11:8,038,880, plus strand): 5'-CTATGCAGCCTGAAGTGGGACCATCCCTTAAACCCACTCCATCCTGTGGCCACGATGGGG[G>A]CCAGGACACCTTTGCCTTCTTTCTGGGTTTCTTTCTTTGCCGAGACAGGGATTTTGTTCC-3'

ClinVar aggregate classification (germline): Uncertain significance (0 of 4 stars; one submission).

Conditions:
TUB-related disorder. Also called: TUB-related condition.

Allele frequency attached by ClinVar (database versions not stated): TOPMed below 0.00001.
gnomAD v4.1: 5 of 1,613,912 alleles (0.00031%); highest among the groups gnomAD compares: Non-Finnish European, 0.00042%; no homozygotes.

Submission:

PreventionGenetics, part of Exact Sciences
Classification: Uncertain significance for TUB-related condition. Last evaluated: 2024-02-19. Review status: no assertion criteria provided. Collection method: clinical testing. Allele origin: germline.
Comment: The TUB c.7G>A variant is predicted to result in the amino acid substitution p.Ala3Thr. To our knowledge, this variant has not been reported in the literature. This variant is reported in 0.00088% of alleles in individuals of European (Non-Finnish) descent in gnomAD. At this time, the clinical significance of this variant is uncertain due to the absence of conclusive functional and genetic evidence.